The following is an entry in ClinVar:

ClinVar aggregate classification (germline): Pathogenic (1 of 4 stars; one submission).

Submission:

Labcorp Genetics (formerly Invitae), Labcorp
Classification: Pathogenic. Last evaluated: 2022-06-09. Review status: criteria provided, single submitter. Criteria: Invitae Variant Classification Sherloc (09022015). Collection method: clinical testing. Allele origin: germline.
Comment: This sequence change creates a premature translational stop signal (p.Glu122*) in the LAMB3 gene. It is expected to result in an absent or disrupted protein product. Loss-of-function variants in LAMB3 are known to be pathogenic (PMID: 11023379, 16473856). This variant is not present in population databases (gnomAD no frequency). This variant has not been reported in the literature in individuals affected with LAMB3-related conditions. For these reasons, this variant has been classified as Pathogenic.

Literature cited by the submitters: PubMed 11023379; PubMed 16473856.

NM_000228.3(LAMB3):c.364G>T (p.Glu122Ter)

Gene: LAMB3 (laminin subunit beta 3; minus strand). Cytogenetic location: 1q32.2.
Variant type: single nucleotide variant.
Coding change: c.364G>T on transcript NM_000228.3 (MANE Select); coding-DNA position 364, G replaced by T.
Protein change: p.Glu122Ter; replaces glutamic acid 122 with a stop codon.
Molecular consequence: nonsense.
Genome position (GRCh38, 1-based): chr1:209,637,916, C>A on the plus strand (G>T on the coding strand, the complement: LAMB3 is on the minus strand). VCF-style: chr1-209637916-C-A. GRCh37 (hg19) VCF-style: chr1-209811261-C-A.
Other names: c.364G>T, p.Glu122Ter (NM_001017402.2, NM_001127641.1); short protein forms E122*.
Identifiers: ClinVar variation 2000878 (VCV002000878.4), dbSNP rs2464894271, ClinGen allele CA344597161.